The following is an entry in ClinVar:

NM_012431.3(SEMA3E):c.37T>C (p.Trp13Arg)

Gene: SEMA3E (semaphorin 3E; minus strand). Cytogenetic location: 7q21.11.
Variant type: single nucleotide variant.
Coding change: c.37T>C on transcript NM_012431.3 (MANE Select); coding-DNA position 37, T replaced by C.
Protein change: p.Trp13Arg; replaces tryptophan 13 with arginine.
Molecular consequence: missense variant.
Genome position (GRCh38, 1-based): chr7:83,648,506, A>G on the plus strand (T>C on the coding strand, the complement: SEMA3E is on the minus strand). VCF-style: chr7-83648506-A-G. GRCh37 (hg19) VCF-style: chr7-83277822-A-G.
Other names: short protein forms W13R.
Identifiers: ClinVar variation 1910147 (VCV001910147.5), dbSNP rs2484313810, ClinGen allele CA368021258.
Genomic context (GRCh38, chr7:83,648,506, plus strand): 5'-ACCGGGGGTGGGTAGTATCAGCTGTATGACCTCCTGTCCAAAGCTCCAGTAAGTAACCCC[A>G]CAGGAGCAAGGTGATAATGTGCCCCGCGGATGCCATGCTGCCGTGTTCACCGTCCAAGCC-3'
Protein context (NP_036563.1, residues 3-23): SAGHIITLLL[Trp13Arg]GYLLELWTGG

ClinVar aggregate classification (germline): Uncertain significance (1 of 4 stars; one submission).

Conditions:
CHARGE syndrome (CHARGE). Also called: Hittner Hirsch Kreh syndrome; CHARGE ASSOCIATION--COLOBOMA, HEART ANOMALY, CHOANAL ATRESIA, RETARDATION, GENITAL AND EAR ANOMALIES; Coloboma, heart anomaly, choanal atresia, retardation, genital and ear anomalies; CHARGE association; Hall-Hittner syndrome. Identifiers: Orphanet 138, MedGen C0265354, MONDO:0008965.

Submission:

Labcorp Genetics (formerly Invitae), Labcorp
Classification: Uncertain significance for CHARGE syndrome. Last evaluated: 2024-11-11. Review status: criteria provided, single submitter. Criteria: Invitae Variant Classification Sherloc (09022015). Collection method: clinical testing. Allele origin: germline.
Comment: This sequence change replaces tryptophan, which is neutral and slightly polar, with arginine, which is basic and polar, at codon 13 of the SEMA3E protein (p.Trp13Arg). This variant is not present in population databases (gnomAD no frequency). This variant has not been reported in the literature in individuals affected with SEMA3E-related conditions. ClinVar contains an entry for this variant (Variation ID: 1910147). An algorithm developed to predict the effect of missense changes on protein structure and function (PolyPhen-2) suggests that this variant is likely to be tolerated. In summary, the available evidence is currently insufficient to determine the role of this variant in disease. Therefore, it has been classified as a Variant of Uncertain Significance.